The following is an entry in ClinVar:

NM_001370466.1(NOD2):c.870T>A (p.Ala290=)

Gene: NOD2 (nucleotide binding oligomerization domain containing 2; plus strand). Cytogenetic location: 16q12.1.
Variant type: single nucleotide variant.
Coding change: c.870T>A on transcript NM_001370466.1 (MANE Select); coding-DNA position 870, T replaced by A.
Protein change: p.Ala290=; no amino-acid change (alanine 290 retained).
Molecular consequence: synonymous variant. On other transcripts: non-coding transcript variant (1).
Genome position (GRCh38, 1-based): chr16:50,710,862, T>A. VCF-style: chr16-50710862-T-A. GRCh37 (hg19) VCF-style: chr16-50744773-T-A.
Other names: c.870T>A, p.Ala290= (NM_001293557.2); c.951T>A, p.Ala317= (NM_022162.3).
Identifiers: ClinVar variation 2646510 (VCV002646510.25), dbSNP rs2506398828, ClinGen allele CA495778281.

ClinVar aggregate classification (germline): Conflicting classifications of pathogenicity. Review status: criteria provided, conflicting classifications (1 of 4 stars). 2 submissions from 2 submitters: Uncertain significance (1); Likely benign (1). Last evaluated 2023-06-08.

Allele frequency attached by ClinVar (database versions not stated): gnomAD exomes below 0.00001.
gnomAD v4.1: 3 of 1,614,126 alleles (0.00019%); highest among the groups gnomAD compares: Non-Finnish European, 0.00025%; no homozygotes.

Submissions (2):

Blueprint Genetics
Classification: Uncertain significance. Last evaluated: 2023-06-08. Review status: criteria provided, single submitter. Criteria: ACMG Guidelines, 2015. Collection method: clinical testing. Allele origin: germline.

CeGaT Center for Human Genetics Tuebingen
Classification: Likely benign. Last evaluated: 2022-04-01. Review status: criteria provided, single submitter. Criteria: CeGaT Center For Human Genetics Tuebingen Variant Classification Criteria Version 2. Collection method: clinical testing. Allele origin: germline. Affected: yes. Observed: 1 variant allele.
Comment: NOD2: PM2:Supporting, BP4, BP7